The following is an entry in ClinVar:

ClinVar aggregate classification (germline): Benign. Review status: criteria provided, multiple submitters, no conflicts (2 of 4 stars). 3 submissions from 3 submitters: Benign (3). Last evaluated 2018-11-11.

Conditions:
Hypotrichosis 6 (HYPT6). Also called: HYPOTRICHOSIS, LOCALIZED, AUTOSOMAL RECESSIVE 1; MONILETHRIX-LIKE HYPOTRICHOSIS. Identifiers: Orphanet 55654, MedGen C1842839, MONDO:0011932, OMIM 607903.

Allele frequency attached by ClinVar (database versions not stated): 1000 Genomes Project 30x 0.14756; TOPMed 0.15215; ESP Exome Variant Server 0.15222; 1000 Genomes Project 0.15256; gnomAD 0.15278.

Submissions (3):

GeneDx
Classification: Benign. Last evaluated: 2018-11-11. Review status: criteria provided, single submitter. Criteria: GeneDx Variant Classification Process June 2021. Collection method: clinical testing. Allele origin: germline. Affected: yes.

Illumina Laboratory Services, Illumina
Classification: Benign for Hypotrichosis 6. Last evaluated: 2018-01-13. Review status: criteria provided, single submitter. Criteria: ICSL Variant Classification Criteria 13 December 2019. Collection method: clinical testing. Allele origin: germline.
Comment: This variant was observed in the ICSL laboratory as part of a predisposition screen in an ostensibly healthy population. It had not been previously curated by ICSL or reported in the Human Gene Mutation Database (HGMD: prior to June 1st, 2018), and was therefore a candidate for classification through an automated scoring system. Utilizing variant allele frequency, disease prevalence and penetrance estimates, and inheritance mode, an automated score was calculated to assess if this variant is too frequent to cause the disease. Based on the score and internal cut-off values, a variant classified as benign is not then subjected to further curation. The score for this variant resulted in a classification of benign for this disease.

Breakthrough Genomics
Classification: Benign. Review status: criteria provided, single submitter. Criteria: ACMG Guidelines, 2015. Collection method: not provided. Allele origin: germline. Inheritance: Autosomal recessive inheritance. Affected: yes.

NM_177986.5(DSG4):c.*31C>T

Genes: DSG4 (desmoglein 4; plus strand), DSG1-AS1 (DSG1 antisense RNA 1; minus strand). Cytogenetic location: 18q12.1.
Variant type: single nucleotide variant.
Coding change: c.*31C>T on transcript NM_177986.5 (MANE Select); 31 bases downstream of the stop codon, C replaced by T.
Molecular consequence: 3 prime UTR variant.
Genome position (GRCh38, 1-based): chr18:31,413,626, C>T. VCF-style: chr18-31413626-C-T. GRCh37 (hg19) VCF-style: chr18-28993589-C-T.
Other names: c.*31C>T (NM_001134453.3).
Identifiers: ClinVar variation 326460 (VCV000326460.8), dbSNP rs7234333, ClinGen allele CA8927482.